The following is an entry in ClinVar:

NM_020937.4(FANCM):c.1628C>T (p.Thr543Ile)

Gene: FANCM (FA complementation group M; plus strand). Cytogenetic location: 14q21.2.
Variant type: single nucleotide variant.
Coding change: c.1628C>T on transcript NM_020937.4 (MANE Select); coding-DNA position 1628, C replaced by T.
Protein change: p.Thr543Ile; replaces threonine 543 with isoleucine.
Molecular consequence: missense variant.
Genome position (GRCh38, 1-based): chr14:45,164,405, C>T. VCF-style: chr14-45164405-C-T. GRCh37 (hg19) VCF-style: chr14-45633608-C-T.
Other names: c.1550C>T, p.Thr517Ile (NM_001308133.2); c.1628C>T, p.Thr543Ile (NM_001308134.2); short protein forms T517I, T543I.
Identifiers: ClinVar variation 1011204 (VCV001011204.9), dbSNP rs1887816758, ClinGen allele CA389593589.

ClinVar aggregate classification (germline): Uncertain significance. Review status: criteria provided, multiple submitters, no conflicts (2 of 4 stars). 2 submissions from 2 submitters: Uncertain significance (2). Last evaluated 2025-06-29.

Conditions:
Fanconi anemia (FA). Also called: Fanconi's anemia. Identifiers: Orphanet 84, MedGen C0015625, MeSH D005199, MONDO:0019391.

Allele frequency attached by ClinVar (database versions not stated): gnomAD exomes below 0.00001.
gnomAD v4.1: 5 of 1,613,350 alleles (0.00031%); highest among the groups gnomAD compares: South Asian, 0.0033%; no homozygotes.

Submissions (2):

Labcorp Genetics (formerly Invitae), Labcorp
Classification: Uncertain significance for Fanconi anemia. Last evaluated: 2025-06-29. Review status: criteria provided, single submitter. Criteria: Invitae Variant Classification Sherloc (09022015). Collection method: clinical testing. Allele origin: germline.
Comment: This sequence change replaces threonine, which is neutral and polar, with isoleucine, which is neutral and non-polar, at codon 543 of the FANCM protein (p.Thr543Ile). This variant is not present in population databases (gnomAD no frequency). This variant has not been reported in the literature in individuals affected with FANCM-related conditions. ClinVar contains an entry for this variant (Variation ID: 1011204). An algorithm developed to predict the effect of missense changes on protein structure and function (PolyPhen-2) suggests that this variant is likely to be disruptive. In summary, the available evidence is currently insufficient to determine the role of this variant in disease. Therefore, it has been classified as a Variant of Uncertain Significance.

Blueprint Genetics
Classification: Uncertain significance. Last evaluated: 2019-02-09. Review status: criteria provided, single submitter. Criteria: ACMG Guidelines, 2015. Collection method: clinical testing. Allele origin: germline.